The following is an entry in ClinVar:

NM_014112.5(TRPS1):c.2788T>G (p.Cys930Gly)

Gene: TRPS1 (transcriptional repressor GATA binding 1; minus strand). Cytogenetic location: 8q23.3.
Variant type: single nucleotide variant.
Coding change: c.2788T>G on transcript NM_014112.5 (MANE Select); coding-DNA position 2788, T replaced by G.
Protein change: p.Cys930Gly; replaces cysteine 930 with glycine.
Molecular consequence: missense variant.
Genome position (GRCh38, 1-based): chr8:115,418,365, A>C on the plus strand (T>G on the coding strand, the complement: TRPS1 is on the minus strand). VCF-style: chr8-115418365-A-C. GRCh37 (hg19) VCF-style: chr8-116430593-A-C.
Other names: c.2761T>G, p.Cys921Gly (NM_001282902.3); c.2767T>G, p.Cys923Gly (NM_001282903.3); c.2749T>G, p.Cys917Gly (NM_001330599.2); short protein forms C917G, C923G, C930G, C921G.
Identifiers: ClinVar variation 853905 (VCV000853905.9), dbSNP rs1812971696, ClinGen allele CA372064245.

ClinVar aggregate classification (germline): Uncertain significance (1 of 4 stars; one submission).

Conditions:
Trichorhinophalangeal syndrome, type III (TRPS3). Also called: SUGIO-KAJII SYNDROME. Identifiers: Orphanet 77258, MedGen C1860823, OMIM 190351, MONDO:0008597.
Trichorhinophalangeal dysplasia type I (TRPS1). Also called: TRPS I; TRICHORHINOPHALANGEAL SYNDROME, TYPE I. Identifiers: Orphanet 77258, MedGen C0432233, MONDO:0008596, OMIM 190350.

Submission:

Labcorp Genetics (formerly Invitae), Labcorp
Classification: Uncertain significance for Trichorhinophalangeal syndrome, type III; Trichorhinophalangeal dysplasia type I. Last evaluated: 2022-11-02. Review status: criteria provided, single submitter. Criteria: Invitae Variant Classification Sherloc (09022015). Collection method: clinical testing. Allele origin: germline.
Comment: In summary, the available evidence is currently insufficient to determine the role of this variant in disease. Therefore, it has been classified as a Variant of Uncertain Significance. Advanced modeling of protein sequence and biophysical properties (such as structural, functional, and spatial information, amino acid conservation, physicochemical variation, residue mobility, and thermodynamic stability) performed at Invitae indicates that this missense variant is expected to disrupt TRPS1 protein function. ClinVar contains an entry for this variant (Variation ID: 853905). This missense change has been observed in individual(s) with clinical features of trichorhinophalangeal syndrome (Invitae). This variant is not present in population databases (gnomAD no frequency). This sequence change replaces cysteine, which is neutral and slightly polar, with glycine, which is neutral and non-polar, at codon 930 of the TRPS1 protein (p.Cys930Gly).